The following is an entry in ClinVar:

NM_000257.4(MYH7):c.5215A>C (p.Thr1739Pro)

Genes: MYH7 (myosin heavy chain 7; minus strand), LOC126861897 (BRD4-independent group 4 enhancer GRCh37_chr14:23884455-23885654; plus strand). Cytogenetic location: 14q11.2.
Variant type: single nucleotide variant.
Coding change: c.5215A>C on transcript NM_000257.4 (MANE Select); coding-DNA position 5215, A replaced by C.
Protein change: p.Thr1739Pro; replaces threonine 1739 with proline.
Molecular consequence: missense variant.
Genome position (GRCh38, 1-based): chr14:23,415,449, T>G on the plus strand (A>C on the coding strand, the complement: MYH7 is on the minus strand). VCF-style: chr14-23415449-T-G. GRCh37 (hg19) VCF-style: chr14-23884658-T-G.
Other names: c.5215A>C, p.Thr1739Pro (NM_001407004.1); short protein forms T1739P.
Identifiers: ClinVar variation 2579453 (VCV002579453.2), dbSNP rs1196094448, ClinGen allele CA389036308.

ClinVar aggregate classification (germline): Uncertain significance (1 of 4 stars; one submission).

Allele frequency attached by ClinVar (database versions not stated): gnomAD exomes below 0.00001.
gnomAD v4.1: 1 of 1,614,248 alleles (0.000062%); highest among the groups gnomAD compares: African/African-American, 0.0013%; no homozygotes.

Submission:

GeneDx
Classification: Uncertain significance. Last evaluated: 2023-10-03. Review status: criteria provided, single submitter. Criteria: GeneDx Variant Classification Process June 2021. Collection method: clinical testing. Allele origin: germline. Affected: yes.
Comment: Has not been previously published as pathogenic or benign to our knowledge; Not observed at significant frequency in large population cohorts (gnomAD); In silico analysis supports that this missense variant does not alter protein structure/function